The following is an entry in ClinVar:

NM_014754.3(PTDSS1):c.391T>C (p.Tyr131His)

Gene: PTDSS1 (phosphatidylserine synthase 1; plus strand). Cytogenetic location: 8q22.1.
Variant type: single nucleotide variant.
Coding change: c.391T>C on transcript NM_014754.3 (MANE Select); coding-DNA position 391, T replaced by C.
Protein change: p.Tyr131His; replaces tyrosine 131 with histidine.
Molecular consequence: missense variant. On other transcripts: intron variant (1).
Genome position (GRCh38, 1-based): chr8:96,287,096, T>C. VCF-style: chr8-96287096-T-C. GRCh37 (hg19) VCF-style: chr8-97299324-T-C.
Other names: c.4-8002T>C (NM_001290225.2); short protein forms Y131H.
Identifiers: ClinVar variation 1901454 (VCV001901454.5), dbSNP rs1183729827, ClinGen allele CA371754443.

ClinVar aggregate classification (germline): Uncertain significance (1 of 4 stars; one submission).

Allele frequency attached by ClinVar (database versions not stated): gnomAD exomes below 0.00001; TOPMed 0.00001.
gnomAD v4.1: 2 of 1,614,186 alleles (0.00012%); highest among the groups gnomAD compares: African/African-American, 0.0027%; no homozygotes.

Submission:

Labcorp Genetics (formerly Invitae), Labcorp
Classification: Uncertain significance. Last evaluated: 2022-03-15. Review status: criteria provided, single submitter. Criteria: Invitae Variant Classification Sherloc (09022015). Collection method: clinical testing. Allele origin: germline.
Comment: This sequence change replaces tyrosine, which is neutral and polar, with histidine, which is basic and polar, at codon 131 of the PTDSS1 protein (p.Tyr131His). In summary, the available evidence is currently insufficient to determine the role of this variant in disease. Therefore, it has been classified as a Variant of Uncertain Significance. Algorithms developed to predict the effect of missense changes on protein structure and function (SIFT, PolyPhen-2, Align-GVGD) all suggest that this variant is likely to be disruptive. This variant has not been reported in the literature in individuals affected with PTDSS1-related conditions. This variant is present in population databases (no rsID available, gnomAD 0.01%).